The following is an entry in ClinVar:

NM_003072.5(SMARCA4):c.557C>T (p.Ala186Val)

Gene: SMARCA4 (SWI/SNF related BAF chromatin remodeling complex subunit ATPase 4; plus strand). Cytogenetic location: 19p13.2.
Variant type: single nucleotide variant.
Coding change: c.557C>T on transcript NM_003072.5 (MANE Select); coding-DNA position 557, C replaced by T.
Protein change: p.Ala186Val; replaces alanine 186 with valine.
Molecular consequence: missense variant. On other transcripts: non-coding transcript variant (1).
Genome position (GRCh38, 1-based): chr19:10,986,390, C>T. VCF-style: chr19-10986390-C-T. GRCh37 (hg19) VCF-style: chr19-11097066-C-T.
Other names: c.557C>T, p.Ala186Val (NM_001128844.3, NM_001128845.2, NM_001128846.2 and 4 more transcripts); short protein forms A186V.
Identifiers: ClinVar variation 839909 (VCV000839909.11), dbSNP rs942370486, ClinGen allele CA305286757.
Genomic context (GRCh38, chr19:10,986,390, plus strand): 5'-ACCGGGGCCCAACCCCATTTAACCAGAACCAGCTGCACCAGCTCAGAGCTCAGATCATGG[C>T]CTACAAGATGCTGGCCAGGGGGCAGCCCCTCCCCGACCACCTGCAGATGGCGGTGCAGGG-3'
Protein context (NP_003063.2, residues 176-196): QLHQLRAQIM[Ala186Val]YKMLARGQPL

ClinVar aggregate classification (germline): Uncertain significance. Review status: criteria provided, multiple submitters, no conflicts (2 of 4 stars). 3 submissions from 3 submitters: Uncertain significance (3). Last evaluated 2025-06-11.

Conditions:
Rhabdoid tumor predisposition syndrome 2 (RTPS2). Identifiers: Orphanet 231108, Orphanet 69077, MedGen C2750074, MONDO:0013224, OMIM 613325.
Hereditary cancer-predisposing syndrome. Also called: Neoplastic Syndromes, Hereditary; Tumor predisposition; Hereditary neoplastic syndrome; Hereditary Cancer Syndrome. Identifiers: Orphanet 140162, MedGen C0027672, MeSH D009386, MONDO:0015356.

Submissions (3):

Ambry Genetics
Classification: Uncertain significance for Hereditary cancer-predisposing syndrome. Last evaluated: 2025-06-11. Review status: criteria provided, single submitter. Criteria: Ambry Variant Classification Scheme 2023. Collection method: clinical testing. Allele origin: germline.
Comment: The p.A186V variant (also known as c.557C>T), located in coding exon 3 of the SMARCA4 gene, results from a C to T substitution at nucleotide position 557. The alanine at codon 186 is replaced by valine, an amino acid with similar properties. This amino acid position is highly conserved in available vertebrate species. In addition, this alteration is predicted to be deleterious by in silico analysis. Based on the available evidence, the clinical significance of this variant remains unclear.

GeneDx
Classification: Uncertain significance. Last evaluated: 2023-03-02. Review status: criteria provided, single submitter. Criteria: GeneDx Variant Classification Process June 2021. Collection method: clinical testing. Allele origin: germline. Affected: yes.
Comment: Not observed at significant frequency in large population cohorts (gnomAD); In silico analysis supports that this missense variant has a deleterious effect on protein structure/function; Has not been previously published as pathogenic or benign to our knowledge; This variant is associated with the following publications: (PMID: 24658002)

Labcorp Genetics (formerly Invitae), Labcorp
Classification: Uncertain significance for Rhabdoid tumor predisposition syndrome 2. Last evaluated: 2021-07-27. Review status: criteria provided, single submitter. Criteria: Invitae Variant Classification Sherloc (09022015). Collection method: clinical testing. Allele origin: germline.
Comment: In summary, the available evidence is currently insufficient to determine the role of this variant in disease. Therefore, it has been classified as a Variant of Uncertain Significance. Algorithms developed to predict the effect of missense changes on protein structure and function (SIFT, PolyPhen-2, Align-GVGD) all suggest that this variant is likely to be disruptive, but these predictions have not been confirmed by published functional studies and their clinical significance is uncertain. This variant has not been reported in the literature in individuals with SMARCA4-related conditions. This variant is not present in population databases (ExAC no frequency). This sequence change replaces alanine with valine at codon 186 of the SMARCA4 protein (p.Ala186Val). The alanine residue is highly conserved and there is a small physicochemical difference between alanine and valine.